The following is an entry in ClinVar:

ClinVar aggregate classification (germline): Uncertain significance (1 of 4 stars; one submission).

Conditions:
Hereditary cancer-predisposing syndrome. Also called: Tumor predisposition; Neoplastic Syndromes, Hereditary; Hereditary neoplastic syndrome; Hereditary Cancer Syndrome. Identifiers: Orphanet 140162, MedGen C0027672, MeSH D009386, MONDO:0015356.

Submission:

Ambry Genetics
Classification: Uncertain significance for Hereditary cancer-predisposing syndrome. Last evaluated: 2025-08-27. Review status: criteria provided, single submitter. Criteria: Ambry Variant Classification Scheme 2023. Collection method: clinical testing. Allele origin: germline.
Comment: The p.P411L variant (also known as c.1232C>T), located in coding exon 13 of the MUTYH gene, results from a C to T substitution at nucleotide position 1232. The proline at codon 411 is replaced by leucine, an amino acid with similar properties. This amino acid position is conserved. In addition, this alteration is predicted to be tolerated by in silico analysis. Based on the available evidence, the clinical significance of this variant remains unclear.

NM_001048174.2(MUTYH):c.1148C>T (p.Pro383Leu)

Gene: MUTYH (mutY DNA glycosylase; minus strand). Cytogenetic location: 1p34.1.
Variant type: single nucleotide variant.
Coding change: c.1148C>T on transcript NM_001048174.2 (MANE Select); coding-DNA position 1148, C replaced by T.
Protein change: p.Pro383Leu; replaces proline 383 with leucine.
Molecular consequence: missense variant. On other transcripts: non-coding transcript variant (7).
Genome position (GRCh38, 1-based): chr1:45,331,511, G>A on the plus strand (C>T on the coding strand, the complement: MUTYH is on the minus strand). VCF-style: chr1-45331511-G-A. GRCh37 (hg19) VCF-style: chr1-45797183-G-A.
Other names: c.1232C>T, p.Pro411Leu (NM_001128425.2); c.1193C>T, p.Pro398Leu (NM_001293190.2); c.1181C>T, p.Pro394Leu (NM_001293191.2, NM_001407069.1, NM_001407077.1); c.872C>T, p.Pro291Leu (NM_001293192.2, NM_001293196.2, NM_001407091.1); c.1148C>T, p.Pro383Leu (NM_001293195.2, NM_001407088.1, NM_001407089.1 and 6 more transcripts); c.803C>T, p.Pro268Leu (NM_001350650.2, NM_001350651.2, NM_001407082.1); c.1190C>T, p.Pro397Leu (NM_001407083.1, NM_001407085.1); c.1151C>T, p.Pro384Leu (NM_001407086.1, NM_001048172.2, NM_001407071.1 and 1 more transcripts); and 5 more; short protein forms P268L, P383L, P384L, P411L, P291L, P355L, P370L, P394L.
Identifiers: ClinVar variation 4113110 (VCV004113110.1).